The following is an entry in ClinVar:

ClinVar aggregate classification (germline): Benign (1 of 4 stars; one submission).

Conditions:
FMN2-related disorder. Also called: FMN2-related condition.

Allele frequency attached by ClinVar (database versions not stated): ExAC 0.00154; gnomAD 0.01106.

Submission:

PreventionGenetics, part of Exact Sciences
Classification: Benign for FMN2-related condition. Last evaluated: 2019-08-08. Review status: criteria provided, single submitter. Criteria: ACMG Guidelines, 2015. Collection method: clinical testing. Allele origin: germline.
Comment: This variant is classified as benign based on ACMG/AMP sequence variant interpretation guidelines (Richards et al. 2015 PMID: 25741868, with internal and published modifications).

NM_020066.5(FMN2):c.2850A>G (p.Gly950=)

Gene: FMN2 (formin 2; plus strand). Cytogenetic location: 1q43.
Variant type: single nucleotide variant.
Coding change: c.2850A>G on transcript NM_020066.5 (MANE Select); coding-DNA position 2850, A replaced by G.
Protein change: p.Gly950=; no amino-acid change (glycine 950 retained).
Molecular consequence: synonymous variant. On other transcripts: intron variant (1).
Genome position (GRCh38, 1-based): chr1:240,207,662, A>G. VCF-style: chr1-240207662-A-G. GRCh37 (hg19) VCF-style: chr1-240370962-A-G.
Other names: c.2862A>G, p.Gly954= (NM_001305424.2); c.1986+19400A>G (NM_001348094.2).
Identifiers: ClinVar variation 3041627 (VCV003041627.1), dbSNP rs1378644181, ClinGen allele CA1476807.